The following is an entry in ClinVar:

ClinVar aggregate classification (germline): Pathogenic (1 of 4 stars; one submission).

Conditions:
Arrhythmogenic right ventricular cardiomyopathy (ARVD). Also called: Arrhythmogenic right ventricular dysplasia; Cardiomyopathy, ARVC; Arrhythmogenic cardiomyopathy; Arrhythmogenic Right Ventricular Cardiomyopathy (ARVC). Identifiers: Orphanet 247, MedGen C0349788, MeSH D019571, MONDO:0016587. Disease mechanism: loss of function. Inheritance: Various modes of inheritance.

Submission:

All of Us Research Program, National Institutes of Health
Classification: Pathogenic for Arrhythmogenic right ventricular cardiomyopathy. Last evaluated: 2023-09-18. Review status: criteria provided, single submitter. Criteria: ACMG Guidelines, 2015. Collection method: clinical testing. Allele origin: germline. Inheritance: Autosomal dominant inheritance. Observed: 1 variant allele, 1 heterozygote.
Comment: This variant deletes 1 nucleotide in exon 5 of the PKP2 gene, creating a frameshift and premature translation stop signal. This variant is expected to result in an absent or non-functional protein product. To our knowledge, this variant has not been reported in individuals affected with PKP2-related disorders in the literature. This variant has not been identified in the general population by the Genome Aggregation Database (gnomAD). Loss of PKP2 function is a known mechanism of disease. Based on the available evidence, this variant is classified as Pathogenic.

This study involves interpretation of variants in research participants for the purpose of population health screening. Participant phenotype was not available at the time of variant classification. Additional details can be found in publication PMID: 35346344, PMCID: PMC8962531

NM_001005242.3(PKP2):c.1362del (p.Lys456fs)

Gene: PKP2 (plakophilin 2; minus strand). Cytogenetic location: 12p11.21.
Variant type: Deletion.
Coding change: c.1362del on transcript NM_001005242.3 (MANE Select); coding-DNA position 1362, one base deleted (T; older notation c.1362delT).
Protein change: p.Lys456fs; shifts the reading frame from lysine 456.
Molecular consequence: frameshift variant.
Genome position (GRCh38, 1-based): chr12:32,850,782, A deleted on the plus strand (T on the coding strand, the reverse complement: PKP2 is on the minus strand). VCF-style (leftmost placement, unchanged base first): chr12-32850781-TA-T. GRCh37 (hg19) VCF-style: chr12-33003715-TA-T.
Other names: c.1362del, p.Lys456fs (NM_001407155.1, NM_001407156.1, NM_001407157.1 and 2 more transcripts); c.1035del, p.Lys347fs (NM_001407158.1, NM_001407159.1, NM_001407160.1 and 1 more transcripts); short protein forms K347fs, K456fs.
Identifiers: ClinVar variation 3073361 (VCV003073361.1), dbSNP rs2541285839, ClinGen allele CA2825002077.
Genomic context (GRCh38, chr12:32,850,781, plus strand): 5'-TGGGGTGCAAATGTGTTAGGTTCTTCAATGTTCAGTAAGCACTACCTGTTATTTGTTTTT[TA>T]GTCTCCAAGTCTCTGGTTTGCTTCAGCACCTGGAGCAGCCGAGGTACCCCATTTAGTTCA-3'